The following is an entry in ClinVar:

ClinVar aggregate classification (germline): Uncertain significance (1 of 4 stars; one submission).

gnomAD v4.1: 2 of 1,613,424 alleles (0.00012%); highest among the groups gnomAD compares: South Asian, 0.0011%; no homozygotes.

Submission:

Ambry Genetics
Classification: Uncertain significance. Last evaluated: 2025-08-07. Review status: criteria provided, single submitter. Criteria: Ambry Variant Classification Scheme 2023. Collection method: clinical testing. Allele origin: germline.
Comment: The p.P1223Q variant (also known as c.3668C>A), located in coding exon 13 of the CDK12 gene, results from a C to A substitution at nucleotide position 3668. The proline at codon 1223 is replaced by glutamine, an amino acid with similar properties. This amino acid position is conserved. In addition, this alteration is predicted to be tolerated by in silico analysis. Based on the available evidence, the clinical significance of this variant remains unclear.

NM_016507.4(CDK12):c.3668C>A (p.Pro1223Gln)

Gene: CDK12 (cyclin dependent kinase 12; plus strand). Cytogenetic location: 17q12.
Variant type: single nucleotide variant.
Coding change: c.3668C>A on transcript NM_016507.4 (MANE Select); coding-DNA position 3668, C replaced by A.
Protein change: p.Pro1223Gln; replaces proline 1223 with glutamine.
Molecular consequence: missense variant.
Genome position (GRCh38, 1-based): chr17:39,526,224, C>A. VCF-style: chr17-39526224-C-A. GRCh37 (hg19) VCF-style: chr17-37682477-C-A.
Other names: c.3668C>A, p.Pro1223Gln (NM_015083.4); short protein forms P1223Q.
Identifiers: ClinVar variation 4224354 (VCV004224354.1).